The following is an entry in ClinVar:

ClinVar aggregate classification (germline): Likely pathogenic (1 of 4 stars; one submission).

Allele frequency attached by ClinVar (database versions not stated): TOPMed 0.00001.

Submission:

Labcorp Genetics (formerly Invitae), Labcorp
Classification: Likely pathogenic. Last evaluated: 2019-07-11. Review status: criteria provided, single submitter. Criteria: Invitae Variant Classification Sherloc (09022015). Collection method: clinical testing. Allele origin: germline.
Comment: This variant has not been reported in the literature in individuals with USH1C-related conditions. In summary, the currently available evidence indicates that the variant is pathogenic, but additional data are needed to prove that conclusively. Therefore, this variant has been classified as Likely Pathogenic. Donor and acceptor splice site variants typically lead to a loss of protein function (PMID: 16199547), and loss-of-function variants in USH1C are known to be pathogenic (PMID: 10973247, 17407589, 20301442, 21203349). Algorithms developed to predict the effect of sequence changes on RNA splicing suggest that this variant may disrupt the consensus splice site, but this prediction has not been confirmed by published transcriptional studies. This variant is not present in population databases (ExAC no frequency). This sequence change affects an acceptor splice site in intron 10 of the USH1C gene. It is expected to disrupt RNA splicing and likely results in an absent or disrupted protein product.

Literature cited by the submitters: PubMed 16199547; PubMed 10973247; PubMed 17407589; PubMed 20301442; PubMed 21203349.

NM_153676.4(USH1C):c.820-2A>T

Gene: USH1C (USH1 protein network component harmonin; minus strand). Cytogenetic location: 11p15.1.
Variant type: single nucleotide variant.
Coding change: c.820-2A>T on transcript NM_153676.4 (MANE Select); the canonical splice acceptor site of the intron before coding-DNA position 820, A replaced by T.
Molecular consequence: splice acceptor variant. On other transcripts: intron variant (1).
Genome position (GRCh38, 1-based): chr11:17,523,269, T>A on the plus strand (A>T on the coding strand, the complement: USH1C is on the minus strand). VCF-style: chr11-17523269-T-A. GRCh37 (hg19) VCF-style: chr11-17544816-T-A.
Other names: c.819+150A>T (NM_001297764.2); c.820-2A>T (NM_005709.4).
Identifiers: ClinVar variation 947268 (VCV000947268.8), dbSNP rs200702266, ClinGen allele CA379789256.